The following is an entry in ClinVar:

ClinVar aggregate classification (germline): Uncertain significance (1 of 4 stars; one submission).

Conditions:
Polycystic kidney disease, adult type (PKD1). Also called: Polycystic Kidney Disease 1, Autosomal Dominant; Polycystic kidney disease 1; Polycystic kidney disease 1, severe; Polycystic Kidney, Autosomal Dominant; POLYCYSTIC KIDNEY DISEASE 1 WITH OR WITHOUT POLYCYSTIC LIVER DISEASE; POLYCYSTIC KIDNEY DISEASE, ADULT, TYPE I. Identifiers: MedGen C3149841, MONDO:0008263, OMIM 173900.

gnomAD v4.1: 1 of 1,610,324 alleles (0.000062%); highest among the groups gnomAD compares: African/African-American, 0.0013%; no homozygotes.

Submission:

MVZ Medizinische Genetik Mainz
Classification: Uncertain significance for Polycystic kidney disease, adult type. Last evaluated: 2023-02-07. Review status: criteria provided, single submitter. Criteria: UK Practice Guidelines For Variant Classification V4 01 2020. Collection method: clinical testing. Allele origin: germline. Inheritance: Autosomal dominant inheritance. Affected: yes. Observed: 1 variant allele.
Comment: ACMG Criteria: PM2_SUP, PM5_SUP

NM_001009944.3(PKD1):c.6700G>T (p.Val2234Leu)

Gene: PKD1 (polycystin 1, transient receptor potential channel interacting; minus strand). Cytogenetic location: 16p13.3.
Variant type: single nucleotide variant.
Coding change: c.6700G>T on transcript NM_001009944.3 (MANE Select); coding-DNA position 6700, G replaced by T.
Protein change: p.Val2234Leu; replaces valine 2234 with leucine.
Molecular consequence: missense variant.
Genome position (GRCh38, 1-based): chr16:2,108,467, C>A on the plus strand (G>T on the coding strand, the complement: PKD1 is on the minus strand). VCF-style: chr16-2108467-C-A. GRCh37 (hg19) VCF-style: chr16-2158468-C-A.
Other names: c.6700G>T, p.Val2234Leu (NM_000296.4); short protein forms V2234L.
Identifiers: ClinVar variation 3236155 (VCV003236155.1), dbSNP rs762322536, ClinGen allele CA394373056.
Genomic context (GRCh38, chr16:2,108,467, plus strand): 5'-CGGGGGCCACCGTCACATTGGCCTGGATGCTCTGTGTCAGTGGCGTGTCCCCAAATGACA[C>A]GACAAACACAAAGCAGTAGTGCCCCACAGGCAGCGCCAGCCGCGGCAGCACCAGCCGAGG-3'
Protein context (NP_001009944.3, residues 2224-2244): PVGHYCFVFV[Val2234Leu]SFGDTPLTQS